The following is an entry in ClinVar:

ClinVar aggregate classification (germline): Uncertain significance (1 of 4 stars; one submission).

Allele frequency attached by ClinVar (database versions not stated): TOPMed below 0.00001; ExAC 0.00003; ESP Exome Variant Server 0.00008.

Submission:

Labcorp Genetics (formerly Invitae), Labcorp
Classification: Uncertain significance. Last evaluated: 2026-01-12. Review status: criteria provided, single submitter. Criteria: Invitae Variant Classification Sherloc (09022015). Collection method: clinical testing. Allele origin: germline.
Comment: This sequence change replaces glutamic acid, which is acidic and polar, with lysine, which is basic and polar, at codon 321 of the MCM5 protein (p.Glu321Lys). This variant is present in population databases (rs377393688, gnomAD 0.002%). This variant has not been reported in the literature in individuals affected with MCM5-related conditions. ClinVar contains an entry for this variant (Variation ID: 2414695). Invitae Evidence Modeling of protein sequence and biophysical properties (such as structural, functional, and spatial information, amino acid conservation, physicochemical variation, residue mobility, and thermodynamic stability) indicates that this missense variant is not expected to disrupt MCM5 protein function with a negative predictive value of 80%. In summary, the available evidence is currently insufficient to determine the role of this variant in disease. Therefore, it has been classified as a Variant of Uncertain Significance.

NM_006739.4(MCM5):c.961G>A (p.Glu321Lys)

Gene: MCM5 (minichromosome maintenance complex component 5; plus strand). Cytogenetic location: 22q12.3.
Variant type: single nucleotide variant.
Coding change: c.961G>A on transcript NM_006739.4 (MANE Select); coding-DNA position 961, G replaced by A.
Protein change: p.Glu321Lys; replaces glutamic acid 321 with lysine.
Molecular consequence: missense variant.
Genome position (GRCh38, 1-based): chr22:35,412,551, G>A. VCF-style: chr22-35412551-G-A. GRCh37 (hg19) VCF-style: chr22-35808544-G-A.
Other names: short protein forms E321K.
Identifiers: ClinVar variation 2414695 (VCV002414695.6), dbSNP rs377393688, ClinGen allele CA10205226.